The following is an entry in ClinVar:

ClinVar aggregate classification (germline): Uncertain significance (1 of 4 stars; one submission).

Allele frequency attached by ClinVar (database versions not stated): gnomAD exomes below 0.00001; gnomAD 0.00001.
gnomAD v4.1: 3 of 1,614,088 alleles (0.00019%); highest among the groups gnomAD compares: South Asian, 0.0022%; no homozygotes.

Submission:

Labcorp Genetics (formerly Invitae), Labcorp
Classification: Uncertain significance. Last evaluated: 2022-05-19. Review status: criteria provided, single submitter. Criteria: Invitae Variant Classification Sherloc (09022015). Collection method: clinical testing. Allele origin: germline.
Comment: This sequence change replaces histidine, which is basic and polar, with tyrosine, which is neutral and polar, at codon 668 of the ADAMTS17 protein (p.His668Tyr). This variant is not present in population databases (gnomAD no frequency). This variant has not been reported in the literature in individuals affected with ADAMTS17-related conditions. Algorithms developed to predict the effect of missense changes on protein structure and function output the following: SIFT: "Not Available"; PolyPhen-2: "Benign"; Align-GVGD: "Not Available". The tyrosine amino acid residue is found in multiple mammalian species, which suggests that this missense change does not adversely affect protein function. In summary, the available evidence is currently insufficient to determine the role of this variant in disease. Therefore, it has been classified as a Variant of Uncertain Significance.

NM_139057.4(ADAMTS17):c.2002C>T (p.His668Tyr)

Gene: ADAMTS17 (ADAM metallopeptidase with thrombospondin type 1 motif 17; minus strand). Cytogenetic location: 15q26.3.
Variant type: single nucleotide variant.
Coding change: c.2002C>T on transcript NM_139057.4 (MANE Select); coding-DNA position 2002, C replaced by T.
Protein change: p.His668Tyr; replaces histidine 668 with tyrosine.
Molecular consequence: missense variant.
Genome position (GRCh38, 1-based): chr15:100,109,003, G>A on the plus strand (C>T on the coding strand, the complement: ADAMTS17 is on the minus strand). VCF-style: chr15-100109003-G-A. GRCh37 (hg19) VCF-style: chr15-100649208-G-A.
Other names: short protein forms H668Y.
Identifiers: ClinVar variation 1996295 (VCV001996295.4), dbSNP rs2036576642, ClinGen allele CA393694736.